The following is an entry in ClinVar:

ClinVar aggregate classification (germline): Uncertain significance. Review status: criteria provided, multiple submitters, no conflicts (2 of 4 stars). 4 submissions from 4 submitters: Uncertain significance (4). Last evaluated 2025-06-09.

Conditions:
RYR1-related disorder. Also called: RYR1-related condition; RYR1-related disorders. Identifiers: MedGen CN239331.
Malignant hyperthermia, susceptibility to, 1 (MHS1). Also called: Anesthesia related hyperthermia; Malignant hyperpyrexia; Fulminating hyperpyrexia; Pharmacogenic myopathy; RYR1-Related Malignant Hyperthermia Susceptibility; Malignant hyperthermia suceptibility 1. Identifiers: Orphanet 423, MedGen C2930980, MONDO:0007783, OMIM 145600.
Congenital multicore myopathy with external ophthalmoplegia (CMYO1B). Also called: Congenital myopathy 1B, autosomal recessive; Minicore myopathy; MULTICORE MYOPATHY; Minicore myopathy with external ophthalmoplegia; MULTIMINICORE DISEASE WITH EXTERNAL OPHTHALMOPLEGIA. Identifiers: Orphanet 598, Orphanet 98905, MedGen C1850674, MONDO:0009712, OMIM 255320, HP:0003789.
King Denborough syndrome (KDS). Identifiers: MedGen C1840365, MONDO:0020485, OMIM 619542.
Congenital myopathy with fiber type disproportion. Also called: Congenital fiber-type disproportion; Congenital fiber-type disproportion myopathy. Identifiers: Orphanet 2020, MedGen C0546264, MONDO:0009711. Inheritance: all.
Central core myopathy (CMYO1A). Also called: CONGENITAL MYOPATHY 1A, AUTOSOMAL DOMINANT, WITH SUSCEPTIBILITY TO MALIGNANT HYPERTHERMIA; Central core disease; Myopathy, central fibrillar. Identifiers: Orphanet 597, MedGen C5830701, MONDO:0007294, OMIM 117000.

Allele frequency attached by ClinVar (database versions not stated): gnomAD 0.00001; gnomAD exomes 0.00001.
gnomAD v4.1: 16 of 1,607,766 alleles (0.001%); highest among the groups gnomAD compares: Non-Finnish European, 0.0013%; no homozygotes.

Submissions (4):

Color Diagnostics, LLC DBA Color Health
Classification: Uncertain significance for Malignant hyperthermia, susceptibility to, 1. Last evaluated: 2025-06-09. Review status: criteria provided, single submitter. Criteria: ACMG Guidelines, 2015. Collection method: clinical testing. Allele origin: germline.
Comment: This missense variant replaces threonine with isoleucine at codon 2543 of the RYR1 protein. Computational prediction is inconclusive regarding the impact of this variant on protein structure and function. To our knowledge, functional studies have not been reported for this variant. This variant has not been reported in individuals affected with autosomal dominant malignant hyperthermia in the literature, although it has been observed in individual(s) affected with other phenotype(s) (ClinVar Variation ID: 1480072). This variant has been identified in 1/31348 chromosomes in the general population by the Genome Aggregation Database (gnomAD). Due to insufficient evidence, this variant is classified as a Variant of Uncertain Significance for autosomal dominant malignant hyperthermia.

All of Us Research Program, National Institutes of Health
Classification: Uncertain significance for Malignant hyperthermia, susceptibility to, 1. Last evaluated: 2024-08-08. Review status: criteria provided, single submitter. Criteria: ACMG Guidelines, 2015. Collection method: clinical testing. Allele origin: germline. Inheritance: Autosomal dominant inheritance. Observed: 2 variant alleles, 2 heterozygotes.
Comment: This missense variant replaces threonine with isoleucine at codon 2543 of the RYR1 protein. Computational prediction is inconclusive regarding the impact of this variant on protein structure and function (internally defined REVEL score threshold 0.5 < inconclusive < 0.7, PMID: 27666373). To our knowledge, functional studies have not been reported for this variant. This variant has not been reported in individuals affected with autosomal dominant malignant hyperthermia in the literature, although it has been observed in individual(s) affected with other phenotype(s) (ClinVar Variation ID: 1480072). This variant has been identified in 1/31348 chromosomes in the general population by the Genome Aggregation Database (gnomAD). Due to insufficient evidence, this variant is classified as a Variant of Uncertain Significance for autosomal dominant malignant hyperthermia.

This study involves interpretation of variants in research participants for the purpose of population health screening. Participant phenotype was not available at the time of variant classification. Additional details can be found in publication PMID: 35346344, PMCID: PMC8962531

Labcorp Genetics (formerly Invitae), Labcorp
Classification: Uncertain significance for RYR1-related disorder. Last evaluated: 2023-10-24. Review status: criteria provided, single submitter. Criteria: Invitae Variant Classification Sherloc (09022015). Collection method: clinical testing. Allele origin: germline.
Comment: This sequence change replaces threonine, which is neutral and polar, with isoleucine, which is neutral and non-polar, at codon 2543 of the RYR1 protein (p.Thr2543Ile). This variant is present in population databases (no rsID available, gnomAD 0.007%). This missense change has been observed in individual(s) with clinical features of RYR1-related conditions (PMID: 29792937, 34440373). ClinVar contains an entry for this variant (Variation ID: 1480072). Advanced modeling of protein sequence and biophysical properties (such as structural, functional, and spatial information, amino acid conservation, physicochemical variation, residue mobility, and thermodynamic stability) has been performed at Invitae for this missense variant, however the output from this modeling did not meet the statistical confidence thresholds required to predict the impact of this variant on RYR1 protein function. In summary, the available evidence is currently insufficient to determine the role of this variant in disease. Therefore, it has been classified as a Variant of Uncertain Significance.

Fulgent Genetics
Classification: Uncertain significance for Central core myopathy; Malignant hyperthermia, susceptibility to, 1; Congenital myopathy 4A, autosomal dominant; Congenital multicore myopathy with external ophthalmoplegia; King Denborough syndrome. Last evaluated: 2021-10-05. Review status: criteria provided, single submitter. Criteria: ACMG Guidelines, 2015. Collection method: clinical testing. Allele origin: unknown.

Literature cited by the submitters: PubMed 29792937 (cited by Labcorp Genetics (formerly Invitae), Labcorp); PubMed 34440373 (cited by Labcorp Genetics (formerly Invitae), Labcorp).

NM_000540.3(RYR1):c.7628C>T (p.Thr2543Ile)

Gene: RYR1 (ryanodine receptor 1; plus strand). Cytogenetic location: 19q13.2.
Variant type: single nucleotide variant.
Coding change: c.7628C>T on transcript NM_000540.3 (MANE Select); coding-DNA position 7628, C replaced by T.
Protein change: p.Thr2543Ile; replaces threonine 2543 with isoleucine.
Molecular consequence: missense variant.
Genome position (GRCh38, 1-based): chr19:38,502,520, C>T. VCF-style: chr19-38502520-C-T. GRCh37 (hg19) VCF-style: chr19-38993160-C-T.
Other names: c.7628C>T, p.Thr2543Ile (NM_001042723.2); short protein forms T2543I.
Identifiers: ClinVar variation 1480072 (VCV001480072.8), dbSNP rs1471770301, ClinGen allele CA405671362.